The following is an entry in ClinVar:

NM_001365480.1(CCDC88A):c.4585G>A (p.Ala1529Thr)

Gene: CCDC88A (coiled-coil and HOOK domain protein 88A; minus strand). Cytogenetic location: 2p16.1.
Variant type: single nucleotide variant.
Coding change: c.4585G>A on transcript NM_001365480.1 (MANE Select); coding-DNA position 4585, G replaced by A.
Protein change: p.Ala1529Thr; replaces alanine 1529 with threonine.
Molecular consequence: missense variant.
Genome position (GRCh38, 1-based): chr2:55,301,959, C>T on the plus strand (G>A on the coding strand, the complement: CCDC88A is on the minus strand). VCF-style: chr2-55301959-C-T. GRCh37 (hg19) VCF-style: chr2-55529095-C-T.
Other names: c.4582G>A, p.Ala1528Thr (NM_001135597.2, NM_001254943.2); c.4501G>A, p.Ala1501Thr (NM_018084.5); short protein forms A1528T, A1529T, A1501T.
Identifiers: ClinVar variation 4840288 (VCV004840288.1).

ClinVar aggregate classification (germline): Uncertain significance (1 of 4 stars; one submission).

gnomAD v4.1: 1 of 1,614,100 alleles (0.000062%); highest among the groups gnomAD compares: Non-Finnish European, 0.000085%; no homozygotes.

Submission:

Ambry Genetics
Classification: Uncertain significance. Last evaluated: 2026-02-23. Review status: criteria provided, single submitter. Criteria: Ambry Variant Classification Scheme 2023. Collection method: clinical testing. Allele origin: germline.
Comment: The c.4582G>A (p.A1528T) alteration is located in exon 27 (coding exon 27) of the CCDC88A gene. This alteration results from a G to A substitution at nucleotide position 4582, causing the alanine (A) at amino acid position 1528 to be replaced by a threonine (T). Based on data from gnomAD, the A allele has an overall frequency of <0.001% (1/251394) total alleles studied. The highest observed frequency was 0.001% (1/113676) of European (non-Finnish) alleles. Based on insufficient or conflicting evidence, the clinical significance of this alteration remains unclear.